The following is an entry in ClinVar:

NM_001244710.2(GFPT1):c.211G>T (p.Glu71Ter)

Gene: GFPT1 (glutamine--fructose-6-phosphate transaminase 1; minus strand). Cytogenetic location: 2p13.3.
Variant type: single nucleotide variant.
Coding change: c.211G>T on transcript NM_001244710.2 (MANE Select); coding-DNA position 211, G replaced by T.
Protein change: p.Glu71Ter; replaces glutamic acid 71 with a stop codon.
Molecular consequence: nonsense.
Genome position (GRCh38, 1-based): chr2:69,370,013, C>A on the plus strand (G>T on the coding strand, the complement: GFPT1 is on the minus strand). VCF-style: chr2-69370013-C-A. GRCh37 (hg19) VCF-style: chr2-69597145-C-A.
Other names: c.211G>T, p.Glu71Ter (NM_002056.4); short protein forms E71*.
Identifiers: ClinVar variation 1804723 (VCV001804723.1), dbSNP rs2466152425, ClinGen allele CA347134545.
Genomic context (GRCh38, chr2:69,370,013, plus strand): 5'-AAAGGAAGAGAAGGGGAAAGGGGACAAAAATCAAATTAAGTACGTTACTGTGAACTTCTT[C>A]ATCCAGTGCCTTAACTTTTCCTTTCTTCTTAATAAGCTGGATTTTGCAGGCATTGGCTTC-3'

ClinVar aggregate classification (germline): Likely pathogenic (1 of 4 stars; one submission).

Conditions:
Congenital myasthenic syndrome (CMS). Also called: Congenital Myasthenic Syndromes. Identifiers: Orphanet 590, MedGen C0751882, MeSH D020294, MONDO:0018940.

Submission:

Women's Health and Genetics/Laboratory Corporation of America, LabCorp
Classification: Likely pathogenic for Congenital myasthenic syndrome. Last evaluated: 2022-11-16. Review status: criteria provided, single submitter. Criteria: LabCorp Variant Classification Summary - May 2015. Collection method: clinical testing. Allele origin: germline.
Comment: Variant summary: GFPT1 c.211G>T (p.Glu71X) results in a premature termination codon, predicted to cause a truncation of the encoded protein or absence of the protein due to nonsense mediated decay, which are commonly known mechanisms for disease. The variant was absent in 251408 control chromosomes (gnomAD). To our knowledge, no occurrence of c.211G>T in individuals affected with Congenital Myasthenic Syndrome and no experimental evidence demonstrating its impact on protein function have been reported. No clinical diagnostic laboratories have submitted clinical-significance assessments for this variant to ClinVar after 2014. Based on the evidence outlined above, the variant was classified as likely pathogenic.